The following is an entry in ClinVar:

NM_001365999.1(SZT2):c.2500G>A (p.Ala834Thr)

Gene: SZT2 (SZT2 subunit of KICSTOR complex; plus strand). Cytogenetic location: 1p34.2.
Variant type: single nucleotide variant.
Coding change: c.2500G>A on transcript NM_001365999.1 (MANE Select); coding-DNA position 2500, G replaced by A.
Protein change: p.Ala834Thr; replaces alanine 834 with threonine.
Molecular consequence: missense variant.
Genome position (GRCh38, 1-based): chr1:43,424,812, G>A. VCF-style: chr1-43424812-G-A. GRCh37 (hg19) VCF-style: chr1-43890483-G-A.
Other names: c.2500G>A, p.Ala834Thr (NM_015284.4); short protein forms A834T.
Identifiers: ClinVar variation 806122 (VCV000806122.46), dbSNP rs753359197, ClinGen allele CA21631801.

ClinVar aggregate classification (germline): Uncertain significance. Review status: criteria provided, multiple submitters, no conflicts (2 of 4 stars). 3 submissions from 3 submitters: Uncertain significance (3). Last evaluated 2023-04-11.

Conditions:
Developmental and epileptic encephalopathy, 18 (DEE18). Also called: Early infantile epileptic encephalopathy 18. Identifiers: Orphanet 369894, MedGen C3809624, MONDO:0014201, OMIM 615476.

Allele frequency attached by ClinVar (database versions not stated): TOPMed 0.00001; gnomAD 0.00004.
gnomAD v4.1: 21 of 1,613,874 alleles (0.0013%); highest among the groups gnomAD compares: African/African-American, 0.0067%; no homozygotes.

Submissions (3):

Genome-Nilou Lab
Classification: Uncertain significance for Developmental and epileptic encephalopathy, 18. Last evaluated: 2023-04-11. Review status: criteria provided, single submitter. Criteria: ACMG Guidelines, 2015. Collection method: clinical testing. Allele origin: germline. Affected: no.

Labcorp Genetics (formerly Invitae), Labcorp
Classification: Uncertain significance. Last evaluated: 2022-08-21. Review status: criteria provided, single submitter. Criteria: Invitae Variant Classification Sherloc (09022015). Collection method: clinical testing. Allele origin: germline.
Comment: In summary, the available evidence is currently insufficient to determine the role of this variant in disease. Therefore, it has been classified as a Variant of Uncertain Significance. Algorithms developed to predict the effect of missense changes on protein structure and function (SIFT, PolyPhen-2, Align-GVGD) all suggest that this variant is likely to be tolerated. ClinVar contains an entry for this variant (Variation ID: 806122). This variant has not been reported in the literature in individuals affected with SZT2-related conditions. This variant is present in population databases (no rsID available, gnomAD 0.003%). This sequence change replaces alanine, which is neutral and non-polar, with threonine, which is neutral and polar, at codon 834 of the SZT2 protein (p.Ala834Thr).

CeGaT Center for Human Genetics Tuebingen
Classification: Uncertain significance. Last evaluated: 2020-12-01. Review status: criteria provided, single submitter. Criteria: CeGaT Center For Human Genetics Tuebingen Variant Classification Criteria Version 2. Collection method: clinical testing. Allele origin: germline. Affected: yes. Observed: 2 variant alleles.